The following is an entry in ClinVar:

NM_001875.5(CPS1):c.3069C>A (p.Asp1023Glu)

Gene: CPS1 (carbamoyl-phosphate synthase 1; plus strand). Cytogenetic location: 2q34.
Variant type: single nucleotide variant.
Coding change: c.3069C>A on transcript NM_001875.5 (MANE Select); coding-DNA position 3069, C replaced by A.
Protein change: p.Asp1023Glu; replaces aspartic acid 1023 with glutamic acid.
Molecular consequence: missense variant. On other transcripts: non-coding transcript variant (2).
Genome position (GRCh38, 1-based): chr2:210,642,593, C>A. VCF-style: chr2-210642593-C-A. GRCh37 (hg19) VCF-style: chr2-211507317-C-A.
Other names: c.3069C>A, p.Asp1023Glu (NM_001122633.3, NM_001369257.1); c.3102C>A, p.Asp1034Glu (NM_001369256.1); short protein forms D1023E, D1034E.
Identifiers: ClinVar variation 2577360 (VCV002577360.1), dbSNP rs1559123272, ClinGen allele CA350434203.

ClinVar aggregate classification (germline): Uncertain significance (1 of 4 stars; one submission).

Submission:

Women's Health and Genetics/Laboratory Corporation of America, LabCorp
Classification: Uncertain significance. Last evaluated: 2023-07-05. Review status: criteria provided, single submitter. Criteria: LabCorp Variant Classification Summary - May 2015. Collection method: clinical testing. Allele origin: germline.
Comment: Variant summary: CPS1 c.3069C>A (p.Asp1023Glu) results in a conservative amino acid change in the encoded protein sequence. Four of five in-silico tools predict a damaging effect of the variant on protein function. The variant was absent in 251452 control chromosomes (gnomAD). The available data on variant occurrences in the general population are insufficient to allow any conclusion about variant significance. c.3069C>A has been reported in the literature as a compound heterozygous genotype in at least one individual suspected of Carbamoylphosphate Synthetase I Deficiency (Isler_2020, Makris_2021). These report(s) do not provide unequivocal conclusions about association of the variant with Carbamoylphosphate Synthetase I Deficiency. To our knowledge, no experimental evidence demonstrating an impact on protein function has been reported. The following publications have been ascertained in the context of this evaluation (PMID: 32154057, 33309754). One submitter has provided a clinical-significance assessment for this variant to ClinVar after 2014 and has classified the variant as uncertain significance. Based on the evidence outlined above, the variant was classified as uncertain significance.

Literature cited by the submitters: PubMed 33309754; PubMed 32154057.